The following is an entry in ClinVar:

NM_000263.4(NAGLU):c.1088_1089dup (p.Ala364fs)

Gene: NAGLU (N-acetyl-alpha-glucosaminidase; plus strand). Cytogenetic location: 17q21.2.
Variant type: Duplication.
Coding change: c.1088_1089dup on transcript NM_000263.4 (MANE Select); coding-DNA positions 1088 to 1089, 2 bases duplicated (CC; older notation c.1088_1089dupCC).
Protein change: p.Ala364fs; shifts the reading frame from alanine 364.
Molecular consequence: frameshift variant.
Genome position (GRCh38, 1-based): chr17:42,543,094-42,543,095, CC duplicated; duplicating any 2 consecutive bases within chr17:42,543,093-42,543,095 gives the same sequence; the c. name uses the placement nearest the transcript's 3' end. VCF-style (leftmost placement, unchanged base first): chr17-42543092-G-GCC. GRCh37 (hg19) VCF-style: chr17-40695110-G-GCC.
Other names: short protein forms A364fs.
Identifiers: ClinVar variation 2921907 (VCV002921907.3), dbSNP rs2510658779, ClinGen allele CA2576276089.

ClinVar aggregate classification (germline): Pathogenic (1 of 4 stars; one submission).

Conditions:
Charcot-Marie-Tooth disease axonal type 2V. Also called: CHARCOT-MARIE-TOOTH NEUROPATHY, TYPE 2V; CHARCOT-MARIE-TOOTH DISEASE, AXONAL, AUTOSOMAL DOMINANT, TYPE 2V. Identifiers: Orphanet 447964, MedGen C5569050, MONDO:0014665, OMIM 616491.
Mucopolysaccharidosis, MPS-III-B (MPS3B). Also called: N-ACETYL-ALPHA-D-GLUCOSAMINIDASE DEFICIENCY; NAGLU DEFICIENCY; SANFILIPPO SYNDROME B; MPS III B; Mucopolysaccharidosis type IIIB (Sanfilippo B); MUCOPOLYSACCHARIDOSIS, TYPE IIIB. Identifiers: Orphanet 79270, MedGen C0086648, MONDO:0009656, OMIM 252920.

Submission:

Labcorp Genetics (formerly Invitae), Labcorp
Classification: Pathogenic for Charcot-Marie-Tooth disease axonal type 2V; Mucopolysaccharidosis, MPS-III-B. Last evaluated: 2024-01-03. Review status: criteria provided, single submitter. Criteria: Invitae Variant Classification Sherloc (09022015). Collection method: clinical testing. Allele origin: germline.
Comment: This sequence change creates a premature translational stop signal (p.Ala364Profs*58) in the NAGLU gene. While this is not anticipated to result in nonsense mediated decay, it is expected to disrupt the last 380 amino acid(s) of the NAGLU protein. This variant is not present in population databases (gnomAD no frequency). This variant has not been reported in the literature in individuals affected with NAGLU-related conditions. This variant disrupts a region of the NAGLU protein in which other variant(s) (p.Glu705Lys) have been determined to be pathogenic (PMID: 9832037; Invitae). This suggests that this is a clinically significant region of the protein, and that variants that disrupt it are likely to be disease-causing. For these reasons, this variant has been classified as Pathogenic.

Literature cited by the submitters: PubMed 9832037.